The following is an entry in ClinVar:

ClinVar aggregate classification (germline): Uncertain significance. Review status: criteria provided, multiple submitters, no conflicts (2 of 4 stars). 3 submissions from 3 submitters: Uncertain significance (2). 1 of the submissions does not count toward it. Last evaluated 2022-10-17.

Conditions:
Hepatoblastoma. Identifiers: Orphanet 449, MedGen C0206624, MONDO:0018666, HP:0002884.
Combined immunodeficiency due to DOCK8 deficiency (HIES2). Also called: HIES autosomal recessive; HYPER-IgE RECURRENT INFECTION SYNDROME 2, AUTOSOMAL RECESSIVE; DOCK8 Deficiency; HYPER-IgE SYNDROME 2, AUTOSOMAL RECESSIVE, WITH RECURRENT INFECTIONS; Hyper-IgE recurrent infection syndrome, autosomal recessive. Identifiers: Orphanet 217390, MedGen C4722305, MONDO:0009478, OMIM 243700.

Allele frequency attached by ClinVar (database versions not stated): gnomAD 0.00001; gnomAD exomes 0.00001 and 0.00005; TOPMed 0.00001; ExAC 0.00002.

Submissions (3):

Labcorp Genetics (formerly Invitae), Labcorp
Classification: Uncertain significance for Combined immunodeficiency due to DOCK8 deficiency. Last evaluated: 2022-10-17. Review status: criteria provided, single submitter. Criteria: Invitae Variant Classification Sherloc (09022015). Collection method: clinical testing. Allele origin: germline.
Comment: This sequence change replaces methionine, which is neutral and non-polar, with threonine, which is neutral and polar, at codon 1587 of the DOCK8 protein (p.Met1587Thr). This variant is present in population databases (rs749789023, gnomAD 0.03%). This variant has not been reported in the literature in individuals affected with DOCK8-related conditions. ClinVar contains an entry for this variant (Variation ID: 835366). Advanced modeling of protein sequence and biophysical properties (such as structural, functional, and spatial information, amino acid conservation, physicochemical variation, residue mobility, and thermodynamic stability) has been performed at Invitae for this missense variant, however the output from this modeling did not meet the statistical confidence thresholds required to predict the impact of this variant on DOCK8 protein function. In summary, the available evidence is currently insufficient to determine the role of this variant in disease. Therefore, it has been classified as a Variant of Uncertain Significance.

Blueprint Genetics
Classification: Uncertain significance. Last evaluated: 2020-09-02. Review status: criteria provided, single submitter. Criteria: ACMG Guidelines, 2015. Collection method: clinical testing. Allele origin: germline.

Molecular Oncology -  Human Genetics Lab, University of Sao Paulo
Classification: Uncertain significance for Hepatoblastoma. Review status: no assertion criteria provided. Collection method: research. Allele origin: germline. Affected: yes. Not counted in ClinVar's aggregate classification.

NM_203447.4(DOCK8):c.4760T>C (p.Met1587Thr)

Gene: DOCK8 (dedicator of cytokinesis 8; plus strand). Cytogenetic location: 9p24.3.
Variant type: single nucleotide variant.
Coding change: c.4760T>C on transcript NM_203447.4 (MANE Select); coding-DNA position 4760, T replaced by C.
Protein change: p.Met1587Thr; replaces methionine 1587 with threonine.
Molecular consequence: missense variant.
Genome position (GRCh38, 1-based): chr9:432,299, T>C. VCF-style: chr9-432299-T-C. GRCh37 (hg19) VCF-style: chr9-432299-T-C.
Other names: c.4460T>C, p.Met1487Thr (NM_001190458.2); c.4556T>C, p.Met1519Thr (NM_001193536.2); short protein forms M1519T, M1587T, M1487T.
Identifiers: ClinVar variation 835366 (VCV000835366.9), dbSNP rs749789023, ClinGen allele CA4959185.